The following is an entry in ClinVar:

NM_000371.4(TTR):c.427A>G (p.Thr143Ala)

Gene: TTR (transthyretin; plus strand). Cytogenetic location: 18q12.1.
Variant type: single nucleotide variant.
Coding change: c.427A>G on transcript NM_000371.4 (MANE Select); coding-DNA position 427, A replaced by G.
Protein change: p.Thr143Ala; replaces threonine 143 with alanine.
Molecular consequence: missense variant.
Genome position (GRCh38, 1-based): chr18:31,598,658, A>G. VCF-style: chr18-31598658-A-G. GRCh37 (hg19) VCF-style: chr18-29178621-A-G.
Other names: short protein forms T143A.
Identifiers: ClinVar variation 2809846 (VCV002809846.3), dbSNP rs2510934165, ClinGen allele CA402158284.

ClinVar aggregate classification (germline): Uncertain significance. Review status: criteria provided, multiple submitters, no conflicts (2 of 4 stars). 2 submissions from 2 submitters: Uncertain significance (2). Last evaluated 2025-11-06.

Conditions:
Amyloidosis, hereditary systemic 1 (AMYLD1). Also called: Familial amyloid polyneuropathy; Transthyretin Amyloidosis; Hereditary oculoleptomeningeal amyloid angiopathy; Familial Transthyretin Amyloidosis; Hereditary Transthyretin Amyloidosis; Isolated Cardiac Amyloidosis. Identifiers: Orphanet 85447, Orphanet 85451, MedGen C2751492, MONDO:0971004, OMIM 105210.

gnomAD v4.1: 1 of 1,614,164 alleles (0.000062%); highest among the groups gnomAD compares: Non-Finnish European, 0.000085%; no homozygotes.

Submissions (2):

Labcorp Genetics (formerly Invitae), Labcorp
Classification: Uncertain significance for Amyloidosis, hereditary systemic 1. Last evaluated: 2025-11-06. Review status: criteria provided, single submitter. Criteria: Invitae Variant Classification Sherloc (09022015). Collection method: clinical testing. Allele origin: germline.
Comment: This sequence change replaces threonine, which is neutral and polar, with alanine, which is neutral and non-polar, at codon 143 of the TTR protein (p.Thr143Ala). This variant is not present in population databases (gnomAD no frequency). This variant has not been reported in the literature in individuals affected with TTR-related conditions. ClinVar contains an entry for this variant (Variation ID: 2809846). Invitae Evidence Modeling of protein sequence and biophysical properties (such as structural, functional, and spatial information, amino acid conservation, physicochemical variation, residue mobility, and thermodynamic stability) indicates that this missense variant is expected to disrupt TTR protein function with a positive predictive value of 95%. In summary, the available evidence is currently insufficient to determine the role of this variant in disease. Therefore, it has been classified as a Variant of Uncertain Significance.

ARUP Laboratories, Molecular Genetics and Genomics, ARUP Laboratories
Classification: Uncertain significance. Last evaluated: 2023-08-29. Review status: criteria provided, single submitter. Criteria: ARUP Molecular Germline Variant Investigation Process 2024. Collection method: clinical testing. Allele origin: germline.
Comment: The TTR c.427A>G; p.Thr143Ala variant, to our knowledge, is not reported in the medical literature or gene specific databases. This variant is also absent from the Genome Aggregation Database, indicating it is not a common polymorphism. Computational analyses are uncertain whether this variant is neutral or deleterious (REVEL: 0.352). Due to limited information, the clinical significance of this variant is uncertain at this time.